The following is an entry in ClinVar:

NM_006947.4(SRP72):c.1387AAG[1] (p.Lys464del)

Gene: SRP72 (signal recognition particle 72; plus strand). Cytogenetic location: 4q12.
Variant type: Microsatellite.
Coding change: c.1387AAG[1] on transcript NM_006947.4 (MANE Select); one copy of the 3-base unit AAG starting at c.1387; the reference has two copies in a row; one copy, 3 bases deleted.
Protein change: p.Lys464del; deletes lysine 464.
Molecular consequence: inframe deletion. On other transcripts: non-coding transcript variant (1).
Genome position (GRCh38, 1-based): chr4:56,490,402-56,490,404, AAG deleted; deleting any 3 consecutive bases within chr4:56,490,398-56,490,404 gives the same sequence; the position shown is the placement nearest the transcript's 3' end. VCF-style (leftmost placement, unchanged base first): chr4-56490397-GGAA-G. GRCh37 (hg19) VCF-style: chr4-57356563-GGAA-G.
Other names: c.1204AAG[1], p.Lys403del (NM_001267722.2); short protein forms K403del, K464del.
Identifiers: ClinVar variation 1511838 (VCV001511838.6), dbSNP rs2110127029, ClinGen allele CA2580616108.

ClinVar aggregate classification (germline): Uncertain significance (1 of 4 stars; one submission).

Submission:

Labcorp Genetics (formerly Invitae), Labcorp
Classification: Uncertain significance. Last evaluated: 2025-11-08. Review status: criteria provided, single submitter. Criteria: Invitae Variant Classification Sherloc (09022015). Collection method: clinical testing. Allele origin: germline.
Comment: This variant, c.1390_1392del, results in the deletion of 1 amino acid(s) of the SRP72 protein (p.Lys464del), but otherwise preserves the integrity of the reading frame. This variant is not present in population databases (gnomAD no frequency). This variant has not been reported in the literature in individuals affected with SRP72-related conditions. Experimental studies and prediction algorithms are not available or were not evaluated, and the functional significance of this variant is currently unknown. In summary, the available evidence is currently insufficient to determine the role of this variant in disease. Therefore, it has been classified as a Variant of Uncertain Significance.